The following is an entry in ClinVar:

NM_015629.4(PRPF31):c.1165C>T (p.Gln389Ter)

Genes: PRPF31 (pre-mRNA processing factor 31; plus strand), PRPF31-AS1 (PRPF31 antisense RNA 1; minus strand). Cytogenetic location: 19q13.42.
Variant type: single nucleotide variant.
Coding change: c.1165C>T on transcript NM_015629.4 (MANE Select); coding-DNA position 1165, C replaced by T.
Protein change: p.Gln389Ter; replaces glutamine 389 with a stop codon.
Molecular consequence: nonsense.
Genome position (GRCh38, 1-based): chr19:54,129,075, C>T. VCF-style: chr19-54129075-C-T. GRCh37 (hg19) VCF-style: chr19-54632450-C-T.
Other names: NP_056444.3:p.(Gln389Ter); short protein forms Q389*.
Identifiers: ClinVar variation 1297104 (VCV001297104.12), dbSNP rs2146449862, ClinGen allele CA407754427.
Genomic context (GRCh38, chr19:54,129,075, plus strand): 5'-GGCCTGGTCGCTGAACTGCAGGGCGCCTCCTCTCCCCCCTAGATCGAGGAGGACGCCTAC[C>T]AGGAGGACCTGGGATTCAGCCTGGGCCACCTGGGCAAGTCGGGCAGTGGGCGTGTGCGGC-3'

ClinVar aggregate classification (germline): Pathogenic/Likely pathogenic. Review status: criteria provided, multiple submitters, no conflicts (2 of 4 stars). 5 submissions from 5 submitters: Pathogenic (4); Likely pathogenic (1). Last evaluated 2025-11-19.

Conditions:
Retinitis pigmentosa (RP). Identifiers: Orphanet 791, MedGen C0035334, MeSH D012174, MONDO:0019200, OMIM 268000. Inheritance: Autosomal dominant, autosomal recessive and X linked inheritance.
Retinitis pigmentosa 11 (RP11). Identifiers: Orphanet 791, MedGen C1838601, MONDO:0010828, OMIM 600138.

Submissions (5):

Labcorp Genetics (formerly Invitae), Labcorp
Classification: Pathogenic. Last evaluated: 2025-11-19. Review status: criteria provided, single submitter. Criteria: Invitae Variant Classification Sherloc (09022015). Collection method: clinical testing. Allele origin: germline.
Comment: This sequence change creates a premature translational stop signal (p.Gln389*) in the PRPF31 gene. It is expected to result in an absent or disrupted protein product. Loss-of-function variants in PRPF31 are known to be pathogenic (PMID: 18317597, 23950152). This variant is not present in population databases (gnomAD no frequency). This premature translational stop signal has been observed in individual(s) with inherited retinal dystrophy (PMID: 30337596). ClinVar contains an entry for this variant (Variation ID: 1297104). For these reasons, this variant has been classified as Pathogenic.

Institute of Medical Genetics and Applied Genomics, University Hospital Tübingen
Classification: Pathogenic for Retinitis pigmentosa 11. Last evaluated: 2024-11-05. Review status: criteria provided, single submitter. Criteria: ACMG Guidelines, 2015. Collection method: clinical testing. Allele origin: germline. Inheritance: Autosomal dominant inheritance. Affected: yes.

Institute of Human Genetics, University of Leipzig Medical Center
Classification: Pathogenic for Retinitis pigmentosa 11. Last evaluated: 2024-10-15. Review status: criteria provided, single submitter. Criteria: ACMG Guidelines, 2015. Collection method: clinical testing. Allele origin: unknown. Inheritance: Autosomal dominant inheritance. Affected: yes.
Comment: Criteria applied: PVS1,PS4_MOD,PM2

Ophthalmic Genetics Group, Institute of Molecular and Clinical Ophthalmology Basel
Classification: Pathogenic for Retinitis pigmentosa. Last evaluated: 2023-07-24. Review status: criteria provided, single submitter. Criteria: ACMG Guidelines, 2015. Collection method: research. Allele origin: germline. Affected: yes. Observed: 1 variant allele.
Comment: Clinical significance based on ACMG v2.0

This variant was classified as Pathogenic based on ACMG criteria: PVS1, PM2, PP5.

Broad Center for Mendelian Genomics, Broad Institute of MIT and Harvard
Classification: Likely pathogenic for Retinitis pigmentosa. Last evaluated: 2021-04-01. Review status: criteria provided, single submitter. Criteria: ACMG Guidelines, 2015. Collection method: curation. Allele origin: germline. Inheritance: Autosomal dominant inheritance. Affected: yes.
Comment: Through a review of available evidence we were able to apply the following criteria: PVS1, PM2. Based on this evidence we have classified this variant as Likely Pathogenic. If you have any questions about the classification please reach out to the Pierce Lab.

Literature cited by the submitters: PubMed 18317597 (cited by Labcorp Genetics (formerly Invitae), Labcorp); PubMed 23950152 (cited by Labcorp Genetics (formerly Invitae), Labcorp); PubMed 30337596 (cited by Labcorp Genetics (formerly Invitae), Labcorp); PubMed 36909829 (cited by Ophthalmic Genetics Group, Institute of Molecular and Clinical Ophthalmology Basel); PubMed 34906470 (cited by Broad Center for Mendelian Genomics, Broad Institute of MIT and Harvard).